The following is an entry in ClinVar:

ClinVar aggregate classification (germline): Benign/Likely benign. Review status: criteria provided, multiple submitters, no conflicts (2 of 4 stars). 3 submissions from 3 submitters: Benign (1); Likely benign (2). Last evaluated 2025-03-16.

Conditions:
Hereditary cancer-predisposing syndrome. Also called: Neoplastic Syndromes, Hereditary; Tumor predisposition; Hereditary Cancer Syndrome; Hereditary neoplastic syndrome. Identifiers: Orphanet 140162, MedGen C0027672, MeSH D009386, MONDO:0015356.
Familial cancer of breast. Also called: BREAST CANCER, FAMILIAL; hereditary breast carcinoma; Hereditary breast cancer. Identifiers: Orphanet 227535, MedGen C0346153, MONDO:0016419, OMIM 114480. Disease mechanism: loss of function.

Submissions (3):

Labcorp Genetics (formerly Invitae), Labcorp
Classification: Likely benign for Familial cancer of breast. Last evaluated: 2025-03-16. Review status: criteria provided, single submitter. Criteria: Invitae Variant Classification Sherloc (09022015). Collection method: clinical testing. Allele origin: germline.

Myriad Genetics, Inc.
Classification: Benign for Familial cancer of breast. Last evaluated: 2024-10-07. Review status: criteria provided, single submitter. Criteria: Myriad Autosomal Dominant, Autosomal Recessive and X-Linked Classification Criteria (2023). Collection method: clinical testing. Allele origin: unknown.
Comment: This variant is considered benign. This variant is a silent/synonymous amino acid change and it is not expected to impact splicing.

Ambry Genetics
Classification: Likely benign for Hereditary cancer-predisposing syndrome. Last evaluated: 2021-03-02. Review status: criteria provided, single submitter. Criteria: Ambry Variant Classification Scheme 2023. Collection method: clinical testing. Allele origin: germline.

NM_007194.4(CHEK2):c.1152A>G (p.Leu384=)

Gene: CHEK2 (checkpoint kinase 2; minus strand). Cytogenetic location: 22q12.1.
Variant type: single nucleotide variant.
Coding change: c.1152A>G on transcript NM_007194.4 (MANE Select); coding-DNA position 1152, A replaced by G.
Protein change: p.Leu384=; no amino-acid change (leucine 384 retained).
Molecular consequence: synonymous variant.
Genome position (GRCh38, 1-based): chr22:28,695,817, T>C on the plus strand (A>G on the coding strand, the complement: CHEK2 is on the minus strand). VCF-style: chr22-28695817-T-C. GRCh37 (hg19) VCF-style: chr22-29091805-T-C.
Other names: c.1281A>G, p.Leu427= (NM_001005735.3); c.489A>G, p.Leu163= (NM_001257387.3); c.951A>G, p.Leu317= (NM_001349956.3); c.1065A>G, p.Leu355= (NM_145862.3).
Identifiers: ClinVar variation 460780 (VCV000460780.13), dbSNP rs1060502715, ClinGen allele CA513944923.